The following is an entry in ClinVar:

NM_002439.5(MSH3):c.3410A>C (p.His1137Pro)

Gene: MSH3 (mutS homolog 3; plus strand). Cytogenetic location: 5q14.1.
Variant type: single nucleotide variant.
Coding change: c.3410A>C on transcript NM_002439.5 (MANE Select); coding-DNA position 3410, A replaced by C.
Protein change: p.His1137Pro; replaces histidine 1137 with proline.
Molecular consequence: missense variant.
Genome position (GRCh38, 1-based): chr5:80,875,858, A>C. VCF-style: chr5-80875858-A-C. GRCh37 (hg19) VCF-style: chr5-80171677-A-C.
Other names: short protein forms H1137P.
Identifiers: ClinVar variation 652786 (VCV000652786.11), dbSNP rs754493842, ClinGen allele CA3328538.
Genomic context (GRCh38, chr5:80,875,858, plus strand): 5'-AAGACCTGCAGAAGTGGACAGAGGAGTTCAACATGGAAGAAACACAGACTTCTCTTCTTC[A>C]TTAAAATGAAGACTACATTTGTGAACAAAAAATGGAGAATTAAAAATACCAACTGTACAA-3'
Protein context (NP_002430.3, residues 1127-1137): NMEETQTSLL[His1137Pro]

ClinVar aggregate classification (germline): Uncertain significance. Review status: criteria provided, multiple submitters, no conflicts (2 of 4 stars). 2 submissions from 2 submitters: Uncertain significance (2). Last evaluated 2025-09-25.

Conditions:
Hereditary cancer-predisposing syndrome. Also called: Neoplastic Syndromes, Hereditary; Tumor predisposition; Hereditary Cancer Syndrome; Hereditary neoplastic syndrome. Identifiers: Orphanet 140162, MedGen C0027672, MeSH D009386, MONDO:0015356.

Allele frequency attached by ClinVar (database versions not stated): gnomAD 0.00001; TOPMed 0.00001; gnomAD exomes 0.00002; ExAC 0.00003.

Submissions (2):

Ambry Genetics
Classification: Uncertain significance for Hereditary cancer-predisposing syndrome. Last evaluated: 2025-09-25. Review status: criteria provided, single submitter. Criteria: Ambry Variant Classification Scheme 2023. Collection method: clinical testing. Allele origin: germline.
Comment: The p.H1137P variant (also known as c.3410A>C), located in coding exon 24 of the MSH3 gene, results from an A to C substitution at nucleotide position 3410. The histidine at codon 1137 is replaced by proline, an amino acid with similar properties. This amino acid position is poorly conserved in available vertebrate species. In addition, this alteration is predicted to be tolerated by in silico analysis. Since supporting evidence is limited at this time, the clinical significance of this alteration remains unclear.

Labcorp Genetics (formerly Invitae), Labcorp
Classification: Uncertain significance. Last evaluated: 2025-04-17. Review status: criteria provided, single submitter. Criteria: Invitae Variant Classification Sherloc (09022015). Collection method: clinical testing. Allele origin: germline.
Comment: This sequence change replaces histidine, which is basic and polar, with proline, which is neutral and non-polar, at codon 1137 of the MSH3 protein (p.His1137Pro). This variant is present in population databases (rs754493842, gnomAD 0.02%). This variant has not been reported in the literature in individuals affected with MSH3-related conditions. ClinVar contains an entry for this variant (Variation ID: 652786). An algorithm developed to predict the effect of missense changes on protein structure and function (PolyPhen-2) suggests that this variant is likely to be tolerated. In summary, the available evidence is currently insufficient to determine the role of this variant in disease. Therefore, it has been classified as a Variant of Uncertain Significance.